The following is an entry in ClinVar:

NM_001267550.2(TTN):c.59206T>G (p.Ser19736Ala)

Genes: TTN-AS1 (TTN antisense RNA 1; plus strand), TTN (titin; minus strand). Cytogenetic location: 2q31.2.
Variant type: single nucleotide variant.
Coding change: c.59206T>G on transcript NM_001267550.2 (MANE Select); coding-DNA position 59206, T replaced by G.
Protein change: p.Ser19736Ala; replaces serine 19736 with alanine.
Molecular consequence: missense variant.
Genome position (GRCh38, 1-based): chr2:178,592,913, A>C on the plus strand (T>G on the coding strand, the complement: TTN is on the minus strand). VCF-style: chr2-178592913-A-C. GRCh37 (hg19) VCF-style: chr2-179457640-A-C.
Other names: c.54283T>G, p.Ser18095Ala (NM_001256850.1); c.32011T>G, p.Ser10671Ala (NM_003319.4); c.51502T>G, p.Ser17168Ala (NM_133378.4); c.32386T>G, p.Ser10796Ala (NM_133432.3); c.32587T>G, p.Ser10863Ala (NM_133437.4); short protein forms S10671A, S10796A, S10863A, S17168A, S18095A, S19736A.
Identifiers: ClinVar variation 987783 (VCV000987783.2), dbSNP rs2050540072, ClinGen allele CA349495072.

ClinVar aggregate classification (germline): Conflicting classifications of pathogenicity. Review status: criteria provided, conflicting classifications (1 of 4 stars). 2 submissions from 2 submitters: Uncertain significance (1); Likely benign (1). Last evaluated 2025-07-24.

Submissions (2):

Molecular Diagnostic Laboratory for Inherited Cardiovascular Disease, Montreal Heart Institute
Classification: Likely benign. Last evaluated: 2025-07-24. Review status: criteria provided, single submitter. Criteria: ACMG Guidelines, 2015. Collection method: clinical testing. Allele origin: germline. Affected: no.

Women's Health and Genetics/Laboratory Corporation of America, LabCorp
Classification: Uncertain significance. Last evaluated: 2020-11-09. Review status: criteria provided, single submitter. Criteria: LabCorp Variant Classification Summary - May 2015. Collection method: clinical testing. Allele origin: germline.
Comment: Variant summary: TTN c.51502T>G (p.Ser17168Ala) results in a conservative amino acid change located in the A-band region of the encoded protein sequence. Five of five in-silico tools predict a benign effect of the variant on protein function. The variant was absent in 248700 control chromosomes. The available data on variant occurrences in the general population are insufficient to allow any conclusion about variant significance. To our knowledge, no occurrence of c.51502T>G in individuals affected with Dilated Cardiomyopathy and no experimental evidence demonstrating its impact on protein function have been reported. No clinical diagnostic laboratories have submitted clinical-significance assessments for this variant to ClinVar after 2014. Based on the evidence outlined above, the variant was classified as uncertain significance.